The following is an entry in ClinVar:

ClinVar aggregate classification (germline): Pathogenic/Likely pathogenic. Review status: criteria provided, multiple submitters, no conflicts (2 of 4 stars). 18 submissions from 17 submitters: Pathogenic (13); Likely pathogenic (1). 4 of the submissions do not count toward it. Last evaluated 2026-06-08.

Conditions:
Patterned dystrophy of the retinal pigment epithelium (MDPT1). Identifiers: Orphanet 63454, MedGen C1868569, MONDO:0018973.
Retinal dystrophy. Also called: Inherited retinal dystrophy. Identifiers: Orphanet 71862, MedGen C0854723, MeSH D058499, MONDO:0019118, HP:0000556.
PRPH2-related disorder. Also called: PRPH2-related disorders; PRPH2-related condition. Identifiers: MedGen CN239395.
Patterned macular dystrophy 1. Also called: BUTTERFLY DYSTROPHY OF RETINAL PIGMENT EPITHELIUM; MACULAR DYSTROPHY, BUTTERFLY-SHAPED PIGMENTARY. Identifiers: Orphanet 99001, MedGen C4551999, MONDO:0008210, OMIM 169150.
Retinitis pigmentosa 7 (RP7). Identifiers: Orphanet 791, MedGen C1842475, MONDO:0011974, OMIM 608133.
Choroidal dystrophy, central areolar 2 (CACD2). Also called: Choriodal Dystrophy, Central Areolar 2; MACULAR DYSTROPHY, PROGRESSIVE. Identifiers: Orphanet 75377, MedGen C2751290, MONDO:0013137, OMIM 613105.
Stargardt disease (FFM). Also called: Stargardt's disease; Fundus flavimaculatus. Identifiers: Orphanet 827, MedGen C0271093, MONDO:0019353.

Allele frequency attached by ClinVar (database versions not stated): ExAC 0.00002; gnomAD 0.00001 and 0.00002; gnomAD exomes below 0.00001 and 0.00002; TOPMed 0.00001.

Submissions (18):

PreventionGenetics, part of Exact Sciences
Classification: Pathogenic for PRPH2-related condition. Last evaluated: 2026-06-08. Review status: criteria provided, single submitter. Criteria: ACMG Guidelines, 2015. Collection method: clinical testing. Allele origin: germline.
Comment: The PRPH2 c.136C>T variant is predicted to result in premature protein termination (p.Arg46*). This variant has been reported in individuals with autosomal dominant retinal disease and segregated with disease in family members (see for example: Coco et al. 2010. PubMed ID: 20213611; Manes et al. 2015. PubMed ID: 25447119; Table S1, Stone et al. 2017. PubMed ID: 28559085). This variant is present in 0.0092% of alleles in individuals of European (Finnish) descent in gnomAD. Nonsense variants in PRPH2 are an established mechanism of disease. This variant is interpreted as pathogenic.

Labcorp Genetics (formerly Invitae), Labcorp
Classification: Pathogenic for PRPH2-related disorder. Last evaluated: 2025-09-11. Review status: criteria provided, single submitter. Criteria: Invitae Variant Classification Sherloc (09022015). Collection method: clinical testing. Allele origin: germline.
Comment: This sequence change creates a premature translational stop signal (p.Arg46*) in the PRPH2 gene. It is expected to result in an absent or disrupted protein product. Loss-of-function variants in PRPH2 are known to be pathogenic (PMID: 8111389, 8485575, 8485576, 8675410, 16916875, 17504850, 22863181, 25675413, 26061163, 27365499, 29555955, 33546218). This variant is present in population databases (rs61755771, gnomAD 0.009%). This premature translational stop signal has been observed in individuals with autosomal dominant retinitis pigmentosa (adRP), macular dystrophy, or cone-rod dystrophy (PMID: 7880786, 8111389, 25447119, 28559085, 29555955). It has also been observed to segregate with disease in related individuals. ClinVar contains an entry for this variant (Variation ID: 13179). For these reasons, this variant has been classified as Pathogenic.

GeneDx
Classification: Pathogenic. Last evaluated: 2025-03-18. Review status: criteria provided, single submitter. Criteria: GeneDx Variant Classification Process June 2021. Collection method: clinical testing. Allele origin: germline. Affected: yes.
Comment: Nonsense variant predicted to result in protein truncation or nonsense mediated decay in a gene for which loss of function is a known mechanism of disease; This variant is associated with the following publications: (PMID: 11139241, 28129423, 34411390, 32531858, 34828423, 32531846, 23105016, 20213611, 7825692, 25412400, 26061163, 8111389, 29555955, 29343940, 28559085, 32660024, 36010202, 35656873, 36563963, 36011402, 31964843, 36460718, 38474159, 38219857, 38743414, 25447119, 7880786)

3billion
Classification: Pathogenic for PRPH2-related disorder. Last evaluated: 2025-02-21. Review status: criteria provided, single submitter. Criteria: ACMG Guidelines, 2015. Collection method: clinical testing. Allele origin: germline. Affected: yes.
Comment: The variant is observed at an extremely low frequency in the gnomAD v4.1.0 dataset (total allele frequency: <0.001%). Predicted Consequence/Location: Stop-gained (nonsense): predicted to result in a loss or disruption of normal protein function through nonsense-mediated decay (NMD) or protein truncation. Multiple pathogenic variants are reported downstream of the variant. The variant has been reported at least twice as pathogenic with clinical assertions and evidence for the classification (ClinVar ID: VCV000013179 /PMID: 8111389). Therefore, this variant is classified as Pathogenic according to the recommendation of ACMG/AMP guideline.

Genomic Medicine Center of Excellence, King Faisal Specialist Hospital and Research Centre
Classification: Pathogenic for Choroidal dystrophy, central areolar 2. Last evaluated: 2024-03-17. Review status: criteria provided, single submitter. Criteria: ACMG Guidelines, 2015. Collection method: research. Allele origin: germline.

Blueprint Genetics
Classification: Pathogenic for PRPH2-related disorders. Last evaluated: 2023-11-08. Review status: criteria provided, single submitter. Criteria: ACMG Guidelines, 2015. Collection method: clinical testing. Allele origin: germline. Affected: yes. Observed: 5 variant alleles.

Dept Of Ophthalmology, Nagoya University
Classification: Pathogenic for Retinal dystrophy. Last evaluated: 2023-10-01. Review status: criteria provided, single submitter. Criteria: Submitter's publication. Collection method: research. Allele origin: germline. Affected: yes.

Institute of Human Genetics, University of Leipzig Medical Center
Classification: Pathogenic for Patterned macular dystrophy 1. Last evaluated: 2023-03-06. Review status: criteria provided, single submitter. Criteria: ACMG Guidelines, 2015. Collection method: clinical testing. Allele origin: unknown. Affected: yes.
Comment: _x000D_ Criteria applied: PVS1, PS4

Institute of Human Genetics, Univ. Regensburg, Univ. Regensburg
Classification: Pathogenic for Retinal dystrophy. Last evaluated: 2023-01-01. Review status: criteria provided, single submitter. Criteria: ACMG Guidelines, 2015. Collection method: clinical testing. Allele origin: germline. Affected: yes.

MGZ Medical Genetics Center
Classification: Pathogenic for Patterned macular dystrophy 1. Last evaluated: 2022-01-25. Review status: criteria provided, single submitter. Criteria: ACMG Guidelines, 2015. Collection method: clinical testing. Allele origin: germline. Affected: yes. Observed: 1 variant allele.
Comment: ACMG criteria applied: PVS1, PS4_MOD, PP1_MOD, PM2_SUP

NEI Ophthalmic Genomics Laboratory, National Institutes of Health
Classification: Pathogenic for Stargardt disease. Last evaluated: 2020-01-07. Review status: criteria provided, single submitter. Criteria: ACMG Guidelines, 2015. Collection method: clinical testing. Allele origin: germline. Affected: yes.
Comment: The variant NM_000322.4:c.136C>T in the PRPH2 gene has been previously studied (PMIDs 8111389, 20213611, 23105016, 25412400, 25412400, 28559085, 29555955, 29343940). We found this variant in 2 patient(s) in a PRPH2 cohort study (Reeves et al. 2020). This variant is listed in dbSNP and/or HGMD (rs61755771,CM930635). It is present in gnomAD browser (AF 0.0000163). It is enriched in the PRPH2 disease cohort. We invoked ACMG criteria [PVS1, PS4, PM2, PP1-M, PP5] and classified NM_000322.4:c.136C>T in the PRPH2 gene as a Pathogenic mutation.

NEI Ophthalmic Genomics Laboratory, National Institutes of Health
Classification: Pathogenic for Patterned dystrophy of the retinal pigment epithelium. Last evaluated: 2020-01-07. Review status: criteria provided, single submitter. Criteria: ACMG Guidelines, 2015. Collection method: clinical testing. Allele origin: germline. Affected: yes.
Comment: the same text as in the submission from NEI Ophthalmic Genomics Laboratory, National Institutes of Health above.

Mendelics
Classification: Likely pathogenic for Patterned macular dystrophy 1. Last evaluated: 2019-05-28. Review status: criteria provided, single submitter. Criteria: Mendelics Assertion Criteria 2017. Collection method: clinical testing. Allele origin: unknown.

Clinical Genetics Service, Universitary Hospital 12 de Octubre
Classification: Pathogenic for Patterned macular dystrophy 1. Review status: criteria provided, single submitter. Criteria: ACMG Guidelines, 2015. Collection method: clinical testing. Allele origin: germline. Affected: yes.

Ophthalmo-Genetics Lab, Instituto de Oftalmologia Conde de Valenciana
Classification: Pathogenic for Stargardt disease. Last evaluated: 2022-12-13. Review status: no assertion criteria provided. Collection method: research. Allele origin: de novo. Inheritance: Autosomal dominant inheritance. Affected: yes. Observed: 1 heterozygote. Not counted in ClinVar's aggregate classification.

Leiden Open Variation Database
Classification: Pathogenic. Last evaluated: 2021-04-29. Review status: no assertion criteria provided. Collection method: curation. Allele origin: germline. Affected: yes. Not counted in ClinVar's aggregate classification.
Comment: Curator: Global Variome, with Curator vacancy. Submitters to LOVD: Julia Lopez, LOVD, Manon Peeters, Yoshito Koyanagi. Comment: Variant observed de novo.

OMIM
Classification: Pathogenic for RETINITIS PIGMENTOSA 7. Last evaluated: 1995-01-01. Review status: no assertion criteria provided. Collection method: literature only. Allele origin: germline. Not counted in ClinVar's aggregate classification.

Retina International
No classification provided. Review status: no classification provided. Collection method: not provided. Allele origin: not provided. Not counted in ClinVar's aggregate classification.

Literature cited by the submitters: PubMed 8111389 (cited by 5 submitters); PubMed 8485575 (cited by Labcorp Genetics (formerly Invitae), Labcorp); PubMed 8485576 (cited by Labcorp Genetics (formerly Invitae), Labcorp); PubMed 8675410 (cited by Labcorp Genetics (formerly Invitae), Labcorp); PubMed 16916875 (cited by Labcorp Genetics (formerly Invitae), Labcorp); PubMed 17504850 (cited by Labcorp Genetics (formerly Invitae), Labcorp); PubMed 22863181 (cited by Labcorp Genetics (formerly Invitae), Labcorp); PubMed 25675413 (cited by Labcorp Genetics (formerly Invitae), Labcorp); PubMed 26061163 (cited by Labcorp Genetics (formerly Invitae), Labcorp and Leiden Open Variation Database); PubMed 27365499 (cited by Labcorp Genetics (formerly Invitae), Labcorp); PubMed 29555955 (cited by 3 submitters); PubMed 33546218 (cited by Labcorp Genetics (formerly Invitae), Labcorp); PubMed 7880786 (cited by 3 submitters); PubMed 25447119 (cited by Labcorp Genetics (formerly Invitae), Labcorp and Leiden Open Variation Database); PubMed 28559085 (cited by 3 submitters); PubMed 20213611 (cited by Institute of Human Genetics, Univ. Regensburg, Univ. Regensburg and Leiden Open Variation Database); PubMed 23105016 (cited by Institute of Human Genetics, Univ. Regensburg, Univ. Regensburg and Leiden Open Variation Database); PubMed 25412400 (cited by Institute of Human Genetics, Univ. Regensburg, Univ. Regensburg and Leiden Open Variation Database); PubMed 29343940 (cited by Institute of Human Genetics, Univ. Regensburg, Univ. Regensburg and Leiden Open Variation Database); PubMed 32660024 (cited by Institute of Human Genetics, Univ. Regensburg, Univ. Regensburg and Leiden Open Variation Database); PubMed 31964843 (cited by Institute of Human Genetics, Univ. Regensburg, Univ. Regensburg); PubMed 32531846 (cited by Institute of Human Genetics, Univ. Regensburg, Univ. Regensburg and Leiden Open Variation Database); PubMed 32531858 (cited by Institute of Human Genetics, Univ. Regensburg, Univ. Regensburg); PubMed 34828423 (cited by Institute of Human Genetics, Univ. Regensburg, Univ. Regensburg); PubMed 34411390 (cited by Institute of Human Genetics, Univ. Regensburg, Univ. Regensburg); PubMed 36010202 (cited by Institute of Human Genetics, Univ. Regensburg, Univ. Regensburg); PubMed 35656873 (cited by Institute of Human Genetics, Univ. Regensburg, Univ. Regensburg); PubMed 36460718 (cited by Institute of Human Genetics, Univ. Regensburg, Univ. Regensburg); PubMed 27813578 (cited by Ophthalmo-Genetics Lab, Instituto de Oftalmologia Conde de Valenciana); PubMed 7825692 (cited by Leiden Open Variation Database); PubMed 11139241 (cited by Leiden Open Variation Database); PubMed 14510799 (cited by Leiden Open Variation Database); PubMed 16799052 (cited by Leiden Open Variation Database); PubMed 26355662 (cited by Leiden Open Variation Database); PubMed 29186038 (cited by Leiden Open Variation Database); PubMed 31213501 (cited by Leiden Open Variation Database).

NM_000322.5(PRPH2):c.136C>T (p.Arg46Ter)

Gene: PRPH2 (peripherin 2; minus strand). Cytogenetic location: 6p21.1.
Variant type: single nucleotide variant.
Coding change: c.136C>T on transcript NM_000322.5 (MANE Select); coding-DNA position 136, C replaced by T.
Protein change: p.Arg46Ter; replaces arginine 46 with a stop codon.
Molecular consequence: nonsense.
Genome position (GRCh38, 1-based): chr6:42,722,199, G>A on the plus strand (C>T on the coding strand, the complement: PRPH2 is on the minus strand). VCF-style: chr6-42722199-G-A. GRCh37 (hg19) VCF-style: chr6-42689937-G-A.
Other names: short protein forms R46*.
Identifiers: ClinVar variation 13179 (VCV000013179.28), dbSNP rs61755771, ClinGen allele CA226209.